The following is an entry in ClinVar:

NM_178862.3(STT3B):c.1869T>C (p.Asn623=)

Gene: STT3B (STT3 oligosaccharyltransferase complex catalytic subunit B; plus strand). Cytogenetic location: 3p23.
Variant type: single nucleotide variant.
Coding change: c.1869T>C on transcript NM_178862.3 (MANE Select); coding-DNA position 1869, T replaced by C.
Protein change: p.Asn623=; no amino-acid change (asparagine 623 retained).
Molecular consequence: synonymous variant.
Genome position (GRCh38, 1-based): chr3:31,625,055, T>C. VCF-style: chr3-31625055-T-C. GRCh37 (hg19) VCF-style: chr3-31666547-T-C.
Identifiers: ClinVar variation 387638 (VCV000387638.3), dbSNP rs992046914, ClinGen allele CA16604507.

ClinVar aggregate classification (germline): Likely benign. Review status: criteria provided, multiple submitters, no conflicts (2 of 4 stars). 2 submissions from 2 submitters: Likely benign (2). Last evaluated 2025-01-08.

Conditions:
STT3B-congenital disorder of glycosylation. Also called: Congenital disorder of glycosylation type 1x; STT3B-CDG; CDG Ix. Identifiers: Orphanet 370924, MedGen C2931007, MONDO:0014271, OMIM 615597.

Allele frequency attached by ClinVar (database versions not stated): gnomAD 0.00001; gnomAD exomes 0.00002; TOPMed 0.00002.

Submissions (2):

Labcorp Genetics (formerly Invitae), Labcorp
Classification: Likely benign for STT3B-congenital disorder of glycosylation. Last evaluated: 2025-01-08. Review status: criteria provided, single submitter. Criteria: Invitae Variant Classification Sherloc (09022015). Collection method: clinical testing. Allele origin: germline.

GeneDx
Classification: Likely benign. Last evaluated: 2016-07-12. Review status: criteria provided, single submitter. Criteria: GeneDx Variant Classification (06012015). Collection method: clinical testing. Allele origin: germline. Affected: yes.
Comment: This variant is considered likely benign or benign based on one or more of the following criteria: it is a conservative change, it occurs at a poorly conserved position in the protein, it is predicted to be benign by multiple in silico algorithms, and/or has population frequency not consistent with disease.